The following is an entry in ClinVar:

ClinVar aggregate classification (germline): Uncertain significance (0 of 4 stars; one submission).

Conditions:
NEFH-related disorder. Also called: NEFH-related condition.

gnomAD v4.1: 3 of 1,519,542 alleles (0.0002%); highest among the groups gnomAD compares: Non-Finnish European, 0.00026%; no homozygotes.

Submission:

PreventionGenetics, part of Exact Sciences
Classification: Uncertain significance for NEFH-related condition. Last evaluated: 2024-03-05. Review status: no assertion criteria provided. Collection method: clinical testing. Allele origin: germline.
Comment: The NEFH c.74A>C variant is predicted to result in the amino acid substitution p.His25Pro. To our knowledge, this variant has not been reported in the literature or in a large population database, indicating this variant is rare. At this time, the clinical significance of this variant is uncertain due to the absence of conclusive functional and genetic evidence.

NM_021076.4(NEFH):c.74A>C (p.His25Pro)

Gene: NEFH (neurofilament heavy chain; plus strand). Cytogenetic location: 22q12.2.
Variant type: single nucleotide variant.
Coding change: c.74A>C on transcript NM_021076.4 (MANE Select); coding-DNA position 74, A replaced by C.
Protein change: p.His25Pro; replaces histidine 25 with proline.
Molecular consequence: missense variant.
Genome position (GRCh38, 1-based): chr22:29,480,336, A>C. VCF-style: chr22-29480336-A-C. GRCh37 (hg19) VCF-style: chr22-29876325-A-C.
Other names: short protein forms H25P.
Identifiers: ClinVar variation 3354042 (VCV003354042.1).